The following is an entry in ClinVar:

ClinVar aggregate classification (germline): Uncertain significance. Review status: criteria provided, multiple submitters, no conflicts (2 of 4 stars). 2 submissions from 2 submitters: Uncertain significance (2). Last evaluated 2024-04-04.

Conditions:
Inborn genetic diseases. Identifiers: MedGen C0950123, MeSH D030342.
Hereditary spastic paraplegia 11. Also called: Spastic Paraplegia 11; SPASTIC PARAPLEGIA, AUTOSOMAL RECESSIVE, COMPLICATED, WITH THIN CORPUS CALLOSUM; SPASTIC PARAPLEGIA, AUTOSOMAL RECESSIVE, WITH MENTAL IMPAIRMENT AND THIN CORPUS CALLOSUM; Nakamura Osame syndrome; Autosomal recessive hereditary spastic paraplegia, mental impairment, and thin corpus callosum; Spastic paraplegia, mental retardation and thin corpus callosum. Identifiers: Orphanet 2822, MedGen C1858479, MONDO:0011445, OMIM 604360.

Allele frequency attached by ClinVar (database versions not stated): gnomAD exomes below 0.00001.
gnomAD v4.1: 2 of 1,613,884 alleles (0.00012%); highest among the groups gnomAD compares: Admixed American, 0.0017%; no homozygotes.

Submissions (2):

Ambry Genetics
Classification: Uncertain significance for Inborn genetic diseases. Last evaluated: 2024-04-04. Review status: criteria provided, single submitter. Criteria: Ambry Variant Classification Scheme 2023. Collection method: clinical testing. Allele origin: germline.

Labcorp Genetics (formerly Invitae), Labcorp
Classification: Uncertain significance for Hereditary spastic paraplegia 11. Last evaluated: 2021-08-26. Review status: criteria provided, single submitter. Criteria: Invitae Variant Classification Sherloc (09022015). Collection method: clinical testing. Allele origin: germline.
Comment: This sequence change replaces glutamine with arginine at codon 845 of the SPG11 protein (p.Gln845Arg). The glutamine residue is moderately conserved and there is a small physicochemical difference between glutamine and arginine. This variant is not present in population databases (ExAC no frequency). This variant has not been reported in the literature in individuals affected with SPG11-related conditions. Algorithms developed to predict the effect of missense changes on protein structure and function are either unavailable or do not agree on the potential impact of this missense change (SIFT: "Tolerated"; PolyPhen-2: "Possibly Damaging"; Align-GVGD: "Class C0"). In summary, the available evidence is currently insufficient to determine the role of this variant in disease. Therefore, it has been classified as a Variant of Uncertain Significance.

NM_025137.4(SPG11):c.2534A>G (p.Gln845Arg)

Gene: SPG11 (SPG11 vesicle trafficking associated, spatacsin; minus strand). Cytogenetic location: 15q21.1.
Variant type: single nucleotide variant.
Coding change: c.2534A>G on transcript NM_025137.4 (MANE Select); coding-DNA position 2534, A replaced by G.
Protein change: p.Gln845Arg; replaces glutamine 845 with arginine.
Molecular consequence: missense variant.
Genome position (GRCh38, 1-based): chr15:44,621,845, T>C on the plus strand (A>G on the coding strand, the complement: SPG11 is on the minus strand). VCF-style: chr15-44621845-T-C. GRCh37 (hg19) VCF-style: chr15-44914043-T-C.
Other names: c.2534A>G (NM_025137.3); c.2534A>G, p.Gln845Arg (NM_001160227.2); short protein forms Q845R.
Identifiers: ClinVar variation 1006518 (VCV001006518.6), dbSNP rs1313372102, ClinGen allele CA392231581.
Genomic context (GRCh38, chr15:44,621,845, plus strand): 5'-ATGGATTCTTGTGTTAGTTGATCCCACCACAGAGCCCAATTTAACACAATTCTATGGTCC[T>C]GTTTGTTAAATTCATCTTTACAATCATATTTCAGGAATGAGTCCAAAACAGACTTGTGCT-3'
Protein context (NP_079413.3, residues 835-855): KYDCKDEFNK[Gln845Arg]DHRIVLNWAL